The following is an entry in ClinVar:

NM_033380.3(COL4A5):c.443C>T (p.Pro148Leu)

Gene: COL4A5 (collagen type IV alpha 5 chain; plus strand). Cytogenetic location: Xq22.3.
Variant type: single nucleotide variant.
Coding change: c.443C>T on transcript NM_033380.3 (MANE Select); coding-DNA position 443, C replaced by T.
Protein change: p.Pro148Leu; replaces proline 148 with leucine.
Molecular consequence: missense variant.
Genome position (GRCh38, 1-based): chrX:108,571,815, C>T. VCF-style: chrX-108571815-C-T. GRCh37 (hg19) VCF-style: chrX-107815045-C-T.
Other names: c.443C>T (NM_000495.3); c.443C>T, p.Pro148Leu (NM_000495.5); short protein forms P148L.
Identifiers: ClinVar variation 767183 (VCV000767183.17), dbSNP rs773404950, ClinGen allele CA10488471.

ClinVar aggregate classification (germline): Conflicting classifications of pathogenicity. Review status: criteria provided, conflicting classifications (1 of 4 stars). 7 submissions from 7 submitters: Uncertain significance (2); Likely benign (4). 1 of the submissions does not count toward it. Last evaluated 2025-11-18.

Conditions:
X-linked Alport syndrome (ATS1). Also called: NEPHROPATHY AND DEAFNESS, X-LINKED; COL4A5-Related Nephropathy. Identifiers: Orphanet 63, Orphanet 88917, MedGen C4746986, MONDO:0010520, OMIM 301050.
COL4A5-related disorder. Also called: COL4A5-related condition.
Inborn genetic diseases. Identifiers: MedGen C0950123, MeSH D030342.

Allele frequency attached by ClinVar (database versions not stated): gnomAD exomes 0.00008; TOPMed 0.00003; gnomAD 0.00004; ExAC 0.00006.
gnomAD v4.1: 32 of 1,175,697 alleles (0.0027%); highest among the groups gnomAD compares: East Asian, 0.045%; no homozygotes.

Submissions (7):

Labcorp Genetics (formerly Invitae), Labcorp
Classification: Likely benign. Last evaluated: 2025-11-18. Review status: criteria provided, single submitter. Criteria: Invitae Variant Classification Sherloc (09022015). Collection method: clinical testing. Allele origin: germline.

PreventionGenetics, part of Exact Sciences
Classification: Likely benign for COL4A5-related condition. Last evaluated: 2024-11-11. Review status: criteria provided, single submitter. Criteria: ACMG Guidelines, 2015. Collection method: clinical testing. Allele origin: germline.
Comment: This variant is classified as likely benign based on ACMG/AMP sequence variant interpretation guidelines (Richards et al. 2015 PMID: 25741868, with internal and published modifications).

Ambry Genetics
Classification: Likely benign for Inborn genetic diseases. Last evaluated: 2024-09-24. Review status: criteria provided, single submitter. Criteria: Ambry Variant Classification Scheme 2023. Collection method: clinical testing. Allele origin: germline.

Blueprint Genetics
Classification: Likely benign. Last evaluated: 2024-07-10. Review status: criteria provided, single submitter. Criteria: ACMG Guidelines, 2015. Collection method: clinical testing. Allele origin: germline.

Fulgent Genetics
Classification: Uncertain significance for X-linked Alport syndrome. Last evaluated: 2024-02-16. Review status: criteria provided, single submitter. Criteria: ACMG Guidelines, 2015. Collection method: clinical testing. Allele origin: germline.

Revvity Omics, Revvity
Classification: Uncertain significance for X-linked Alport syndrome. Last evaluated: 2022-07-14. Review status: criteria provided, single submitter. Criteria: ACMG Guidelines, 2015. Collection method: clinical testing. Allele origin: germline.

Natera, Inc.
Classification: Likely benign for X-linked Alport syndrome. Last evaluated: 2020-02-11. Review status: no assertion criteria provided. Collection method: clinical testing. Allele origin: germline. Not counted in ClinVar's aggregate classification.